The following is an entry in ClinVar:

NM_012208.4(HARS2):c.304-4A>G

Gene: HARS2 (histidyl-tRNA synthetase 2, mitochondrial; plus strand). Cytogenetic location: 5q31.3.
Variant type: single nucleotide variant.
Coding change: c.304-4A>G on transcript NM_012208.4 (MANE Select); 4 bases into the intron before coding-DNA position 304, A replaced by G.
Molecular consequence: intron variant.
Genome position (GRCh38, 1-based): chr5:140,694,181, A>G. VCF-style: chr5-140694181-A-G. GRCh37 (hg19) VCF-style: chr5-140073766-A-G.
Other names: c.93+127A>G (NM_001278732.2); c.322-4A>G (NM_001363535.2); c.229-4A>G (NM_001278731.2); c.94-4A>G (NM_001363536.2).
Identifiers: ClinVar variation 1187578 (VCV001187578.27), dbSNP rs368989873, ClinGen allele CA3444386.

ClinVar aggregate classification (germline): Conflicting classifications of pathogenicity. Review status: criteria provided, conflicting classifications (1 of 4 stars). 3 submissions from 3 submitters: Uncertain significance (1); Likely benign (2). Last evaluated 2025-11-07.

Allele frequency attached by ClinVar (database versions not stated): gnomAD 0.00004 and 0.00012; TOPMed 0.00004; gnomAD exomes 0.00006 and 0.00007; ExAC 0.00007; 1000 Genomes Project 0.00060; 1000 Genomes Project 30x 0.00062.
gnomAD v4.1: 120 of 1,611,242 alleles (0.0074%); highest among the groups gnomAD compares: South Asian, 0.056%; 1 homozygote.

Submissions (3):

Labcorp Genetics (formerly Invitae), Labcorp
Classification: Likely benign. Last evaluated: 2025-11-07. Review status: criteria provided, single submitter. Criteria: Invitae Variant Classification Sherloc (09022015). Collection method: clinical testing. Allele origin: germline.

CeGaT Center for Human Genetics Tuebingen
Classification: Uncertain significance. Last evaluated: 2023-11-01. Review status: criteria provided, single submitter. Criteria: CeGaT Center For Human Genetics Tuebingen Variant Classification Criteria Version 2. Collection method: clinical testing. Allele origin: germline. Affected: yes. Observed: 1 variant allele.
Comment: HARS2: PM2, BP4

GeneDx
Classification: Likely benign. Last evaluated: 2020-01-16. Review status: criteria provided, single submitter. Criteria: GeneDx Variant Classification Process June 2021. Collection method: clinical testing. Allele origin: germline. Affected: yes.